The following is an entry in ClinVar:

ClinVar aggregate classification (germline): Uncertain significance (1 of 4 stars; one submission).

Allele frequency attached by ClinVar (database versions not stated): gnomAD 0.00001.

Submission:

Laboratorio de Genetica e Diagnostico Molecular, Hospital Israelita Albert Einstein
Classification: Uncertain significance. Last evaluated: 2021-04-07. Review status: criteria provided, single submitter. Criteria: ACMG Guidelines, 2015. Collection method: clinical testing. Allele origin: germline. Affected: yes.
Comment: ACMG classification criteria: PM2, BP4

NM_020928.2(ZSWIM6):c.413G>A (p.Gly138Asp)

Gene: ZSWIM6 (zinc finger SWIM-type containing 6; plus strand). Cytogenetic location: 5q12.1.
Variant type: single nucleotide variant.
Coding change: c.413G>A on transcript NM_020928.2 (MANE Select); coding-DNA position 413, G replaced by A.
Protein change: p.Gly138Asp; replaces glycine 138 with aspartic acid.
Molecular consequence: missense variant.
Genome position (GRCh38, 1-based): chr5:61,332,685, G>A. VCF-style: chr5-61332685-G-A. GRCh37 (hg19) VCF-style: chr5-60628512-G-A.
Other names: short protein forms G138D.
Identifiers: ClinVar variation 1691024 (VCV001691024.2), dbSNP rs1744279853, ClinGen allele CA359940661.